The following is an entry in ClinVar:

ClinVar aggregate classification (germline): Uncertain significance (1 of 4 stars; one submission).

Conditions:
Wilson disease (WND). Also called: Wilson's disease. Identifiers: Orphanet 905, MedGen C0019202, MONDO:0010200, OMIM 277900. Disease mechanism: loss of function.

Submission:

Labcorp Genetics (formerly Invitae), Labcorp
Classification: Uncertain significance for Wilson disease. Last evaluated: 2022-05-08. Review status: criteria provided, single submitter. Criteria: Invitae Variant Classification Sherloc (09022015). Collection method: clinical testing. Allele origin: germline.
Comment: This variant has not been reported in the literature in individuals affected with ATP7B-related conditions. This variant is not present in population databases (gnomAD no frequency). This sequence change replaces isoleucine, which is neutral and non-polar, with threonine, which is neutral and polar, at codon 669 of the ATP7B protein (p.Ile669Thr). Algorithms developed to predict the effect of missense changes on protein structure and function (SIFT, PolyPhen-2, Align-GVGD) all suggest that this variant is likely to be disruptive. In summary, the available evidence is currently insufficient to determine the role of this variant in disease. Therefore, it has been classified as a Variant of Uncertain Significance.

NM_000053.4(ATP7B):c.2006T>C (p.Ile669Thr)

Gene: ATP7B (ATPase copper transporting beta; minus strand). Cytogenetic location: 13q14.3.
Variant type: single nucleotide variant.
Coding change: c.2006T>C on transcript NM_000053.4 (MANE Select); coding-DNA position 2006, T replaced by C.
Protein change: p.Ile669Thr; replaces isoleucine 669 with threonine.
Molecular consequence: missense variant. On other transcripts: intron variant (2).
Genome position (GRCh38, 1-based): chr13:51,960,263, A>G on the plus strand (T>C on the coding strand, the complement: ATP7B is on the minus strand). VCF-style: chr13-51960263-A-G. GRCh37 (hg19) VCF-style: chr13-52534399-A-G.
Other names: c.1673T>C, p.Ile558Thr (NM_001243182.2); c.2006T>C, p.Ile669Thr (NM_001330578.2, NM_001406511.1, NM_001406512.1 and 16 more transcripts); c.1973T>C, p.Ile658Thr (NM_001406514.1, NM_001406524.1); c.1910T>C, p.Ile637Thr (NM_001406517.1, NM_001406518.1, NM_001406530.1 and 1 more transcripts); c.1577T>C, p.Ile526Thr (NM_001406539.1); c.1870-2656T>C (NM_001005918.3); c.1870-1719T>C (NM_001330579.2); short protein forms I637T, I558T, I526T, I658T, I669T.
Identifiers: ClinVar variation 2173533 (VCV002173533.4), dbSNP rs2547725438, ClinGen allele CA388025603.